The following is an entry in ClinVar:

ClinVar aggregate classification (germline): Uncertain significance. Review status: criteria provided, multiple submitters, no conflicts (2 of 4 stars). 2 submissions from 2 submitters: Uncertain significance (2). Last evaluated 2025-04-02.

Conditions:
RASopathy. Also called: rasopathies; Noonan spectrum disorder. Identifiers: Orphanet 536391, MedGen C5555857, MONDO:0021060.

Allele frequency attached by ClinVar (database versions not stated): TOPMed below 0.00001; ExAC 0.00001.
gnomAD v4.1: 7 of 1,613,628 alleles (0.00043%); highest among the groups gnomAD compares: Non-Finnish European, 0.00051%; no homozygotes.

Submissions (2):

Labcorp Genetics (formerly Invitae), Labcorp
Classification: Uncertain significance for RASopathy. Last evaluated: 2025-04-02. Review status: criteria provided, single submitter. Criteria: Invitae Variant Classification Sherloc (09022015). Collection method: clinical testing. Allele origin: germline.
Comment: This sequence change replaces alanine, which is neutral and non-polar, with glutamic acid, which is acidic and polar, at codon 76 of the CBL protein (p.Ala76Glu). This variant is present in population databases (rs757898729, gnomAD 0.0009%). This variant has not been reported in the literature in individuals affected with CBL-related conditions. ClinVar contains an entry for this variant (Variation ID: 1004948). Invitae Evidence Modeling of protein sequence and biophysical properties (such as structural, functional, and spatial information, amino acid conservation, physicochemical variation, residue mobility, and thermodynamic stability) indicates that this missense variant is not expected to disrupt CBL protein function with a negative predictive value of 95%. In summary, the available evidence is currently insufficient to determine the role of this variant in disease. Therefore, it has been classified as a Variant of Uncertain Significance.

Blueprint Genetics
Classification: Uncertain significance. Last evaluated: 2022-03-22. Review status: criteria provided, single submitter. Criteria: ACMG Guidelines, 2015. Collection method: clinical testing. Allele origin: germline.

NM_005188.4(CBL):c.227C>A (p.Ala76Glu)

Gene: CBL (Cbl proto-oncogene; plus strand). Cytogenetic location: 11q23.3.
Variant type: single nucleotide variant.
Coding change: c.227C>A on transcript NM_005188.4 (MANE Select); coding-DNA position 227, C replaced by A.
Protein change: p.Ala76Glu; replaces alanine 76 with glutamic acid.
Molecular consequence: missense variant.
Genome position (GRCh38, 1-based): chr11:119,232,479, C>A. VCF-style: chr11-119232479-C-A. GRCh37 (hg19) VCF-style: chr11-119103189-C-A.
Other names: short protein forms A76E.
Identifiers: ClinVar variation 1004948 (VCV001004948.9), dbSNP rs757898729, ClinGen allele CA6318249.